The following is an entry in ClinVar:

NM_000760.4(CSF3R):c.2093T>G (p.Val698Gly)

Gene: CSF3R (colony stimulating factor 3 receptor; minus strand). Cytogenetic location: 1p34.3.
Variant type: single nucleotide variant.
Coding change: c.2093T>G on transcript NM_000760.4 (MANE Select); coding-DNA position 2093, T replaced by G.
Protein change: p.Val698Gly; replaces valine 698 with glycine.
Molecular consequence: missense variant.
Genome position (GRCh38, 1-based): chr1:36,466,775, A>C on the plus strand (T>G on the coding strand, the complement: CSF3R is on the minus strand). VCF-style: chr1-36466775-A-C. GRCh37 (hg19) VCF-style: chr1-36932376-A-C.
Other names: c.2174T>G, p.Val725Gly (NM_156039.3); c.2093T>G, p.Val698Gly (NM_172313.3); short protein forms V725G, V698G.
Identifiers: ClinVar variation 3650771 (VCV003650771.2).

ClinVar aggregate classification (germline): Uncertain significance (1 of 4 stars; one submission).

Conditions:
Autosomal recessive severe congenital neutropenia due to CSF3R deficiency. Also called: Neutropenia, severe congenital, 7, autosomal recessive. Identifiers: Orphanet 420702, MedGen C4310764, MONDO:0014865, OMIM 617014.

Submission:

Labcorp Genetics (formerly Invitae), Labcorp
Classification: Uncertain significance for Autosomal recessive severe congenital neutropenia due to CSF3R deficiency. Last evaluated: 2024-04-25. Review status: criteria provided, single submitter. Criteria: Invitae Variant Classification Sherloc (09022015). Collection method: clinical testing. Allele origin: germline.
Comment: This sequence change replaces valine, which is neutral and non-polar, with glycine, which is neutral and non-polar, at codon 698 of the CSF3R protein (p.Val698Gly). This variant is not present in population databases (gnomAD no frequency). This variant has not been reported in the literature in individuals affected with CSF3R-related conditions. Advanced modeling of protein sequence and biophysical properties (such as structural, functional, and spatial information, amino acid conservation, physicochemical variation, residue mobility, and thermodynamic stability) performed at Invitae indicates that this missense variant is expected to disrupt CSF3R protein function with a positive predictive value of 80%. In summary, the available evidence is currently insufficient to determine the role of this variant in disease. Therefore, it has been classified as a Variant of Uncertain Significance.